The following is an entry in ClinVar:

ClinVar aggregate classification (germline): Uncertain significance (1 of 4 stars; one submission).

gnomAD v4.1: 32 of 1,517,222 alleles (0.0021%); highest among the groups gnomAD compares: Middle Eastern, 0.017%; no homozygotes.

Submission:

Labcorp Genetics (formerly Invitae), Labcorp
Classification: Uncertain significance. Last evaluated: 2025-01-23. Review status: criteria provided, single submitter. Criteria: Invitae Variant Classification Sherloc (09022015). Collection method: clinical testing. Allele origin: germline.
Comment: This sequence change replaces arginine, which is basic and polar, with cysteine, which is neutral and slightly polar, at codon 1808 of the SI protein (p.Arg1808Cys). This variant is present in population databases (rs201372251, gnomAD 0.006%). This variant has not been reported in the literature in individuals affected with SI-related conditions. Invitae Evidence Modeling of protein sequence and biophysical properties (such as structural, functional, and spatial information, amino acid conservation, physicochemical variation, residue mobility, and thermodynamic stability) indicates that this missense variant is not expected to disrupt SI protein function with a negative predictive value of 95%. Algorithms developed to predict the effect of sequence changes on RNA splicing suggest that this variant may disrupt the consensus splice site. In summary, the available evidence is currently insufficient to determine the role of this variant in disease. Therefore, it has been classified as a Variant of Uncertain Significance.

NM_001041.4(SI):c.5422C>T (p.Arg1808Cys)

Gene: SI (sucrase-isomaltase; minus strand). Cytogenetic location: 3q26.1.
Variant type: single nucleotide variant.
Coding change: c.5422C>T on transcript NM_001041.4 (MANE Select); coding-DNA position 5422, C replaced by T.
Protein change: p.Arg1808Cys; replaces arginine 1808 with cysteine.
Molecular consequence: missense variant.
Genome position (GRCh38, 1-based): chr3:164,979,424, G>A on the plus strand (C>T on the coding strand, the complement: SI is on the minus strand). VCF-style: chr3-164979424-G-A. GRCh37 (hg19) VCF-style: chr3-164697212-G-A.
Other names: short protein forms R1808C.
Identifiers: ClinVar variation 3611371 (VCV003611371.2).
Genomic context (GRCh38, chr3:164,979,424, plus strand): 5'-ATGACCAGTTGATTTCTATTGGTTCTTCTAGAGTAACATTGTGTGTGGTCAGATCAATAC[G>A]TAATATCTAAAAAAGTAAAATAATAATTAGTTGTTTAATCACAACCACATTTTTCTTATT-3'
Protein context (NP_001032.2, residues 1798-1818): FNEDTTNMIL[Arg1808Cys]IDLTTHNVTL